The following is an entry in ClinVar:

ClinVar aggregate classification (germline): Uncertain significance. Review status: criteria provided, multiple submitters, no conflicts (2 of 4 stars). 2 submissions from 2 submitters: Uncertain significance (2). Last evaluated 2025-05-05.

Allele frequency attached by ClinVar (database versions not stated): gnomAD exomes 0.00002.

Submissions (2):

Ambry Genetics
Classification: Uncertain significance. Last evaluated: 2025-05-05. Review status: criteria provided, single submitter. Criteria: Ambry Variant Classification Scheme 2023. Collection method: clinical testing. Allele origin: germline.

Labcorp Genetics (formerly Invitae), Labcorp
Classification: Uncertain significance. Last evaluated: 2024-04-02. Review status: criteria provided, single submitter. Criteria: Invitae Variant Classification Sherloc (09022015). Collection method: clinical testing. Allele origin: germline.
Comment: This sequence change replaces alanine, which is neutral and non-polar, with glycine, which is neutral and non-polar, at codon 8 of the IRF2BP2 protein (p.Ala8Gly). This variant is present in population databases (no rsID available, gnomAD 0.009%). This variant has not been reported in the literature in individuals affected with IRF2BP2-related conditions. ClinVar contains an entry for this variant (Variation ID: 1047024). Experimental studies and prediction algorithms are not available or were not evaluated, and the functional significance of this variant is currently unknown. In summary, the available evidence is currently insufficient to determine the role of this variant in disease. Therefore, it has been classified as a Variant of Uncertain Significance.

NM_182972.3(IRF2BP2):c.23C>G (p.Ala8Gly)

Gene: IRF2BP2 (interferon regulatory factor 2 binding protein 2; minus strand). Cytogenetic location: 1q42.3.
Variant type: single nucleotide variant.
Coding change: c.23C>G on transcript NM_182972.3 (MANE Select); coding-DNA position 23, C replaced by G.
Protein change: p.Ala8Gly; replaces alanine 8 with glycine.
Molecular consequence: missense variant.
Genome position (GRCh38, 1-based): chr1:234,609,472, G>C on the plus strand (C>G on the coding strand, the complement: IRF2BP2 is on the minus strand). VCF-style: chr1-234609472-G-C. GRCh37 (hg19) VCF-style: chr1-234745218-G-C.
Other names: c.23C>G, p.Ala8Gly (NM_001077397.1); c.23C>G (NM_182972.2); short protein forms A8G.
Identifiers: ClinVar variation 1047024 (VCV001047024.6), dbSNP rs1194522895, ClinGen allele CA345312167.
Genomic context (GRCh38, chr1:234,609,472, plus strand): 5'-ATGGCCCAGGGCATGCGGGGCAGGTCACACAGGTAGCACGACTGCCGCCGGGACGCGGCC[G>C]CCACCGCCACCGCCGCGGCCATGTCCGAGGAGCCCGCGACGCCGGAGGAGGAGGCGGAGG-3'
Protein context (NP_892017.2, residues 1-18): MAAAVAV[Ala8Gly]AASRRQSCYL